The following is an entry in ClinVar:

NM_014208.3(DSPP):c.3537T>C (p.Asn1179=)

Genes: DMP1-AS1 (DMP1 and DSPP antisense RNA 1; minus strand), DSPP (dentin sialophosphoprotein; plus strand). Cytogenetic location: 4q22.1.
Variant type: single nucleotide variant.
Coding change: c.3537T>C on transcript NM_014208.3 (MANE Select); coding-DNA position 3537, T replaced by C.
Protein change: p.Asn1179=; no amino-acid change (asparagine 1179 retained).
Molecular consequence: synonymous variant.
Genome position (GRCh38, 1-based): chr4:87,616,199, T>C. VCF-style: chr4-87616199-T-C. GRCh37 (hg19) VCF-style: chr4-88537351-T-C.
Identifiers: ClinVar variation 3777785 (VCV003777785.8).

ClinVar aggregate classification (germline): Likely benign. Review status: criteria provided, multiple submitters, no conflicts (2 of 4 stars). 2 submissions from 2 submitters: Likely benign (2). Last evaluated 2025-03-01.

gnomAD v4.1: 774 of 1,429,306 alleles (0.054%); highest among the groups gnomAD compares: African/African-American, 0.49%; 25 homozygotes.

Submissions (2):

CeGaT Center for Human Genetics Tuebingen
Classification: Likely benign. Last evaluated: 2025-03-01. Review status: criteria provided, single submitter. Criteria: CeGaT Center For Human Genetics Tuebingen Variant Classification Criteria Version 2. Collection method: clinical testing. Allele origin: germline. Affected: yes. Observed: 1 variant allele.
Comment: DSPP: BP4, BP7, BS2

Blueprint Genetics
Classification: Likely benign. Last evaluated: 2024-10-02. Review status: criteria provided, single submitter. Criteria: ACMG Guidelines, 2015. Collection method: clinical testing. Allele origin: germline.